The following is an entry in ClinVar:

NM_000465.4(BARD1):c.1859G>A (p.Cys620Tyr)

Gene: BARD1 (BRCA1 associated RING domain 1; minus strand). Cytogenetic location: 2q35.
Variant type: single nucleotide variant.
Coding change: c.1859G>A on transcript NM_000465.4 (MANE Select); coding-DNA position 1859, G replaced by A.
Protein change: p.Cys620Tyr; replaces cysteine 620 with tyrosine.
Molecular consequence: missense variant. On other transcripts: non-coding transcript variant (3), intron variant (1).
Genome position (GRCh38, 1-based): chr2:214,745,111, C>T on the plus strand (G>A on the coding strand, the complement: BARD1 is on the minus strand). VCF-style: chr2-214745111-C-T. GRCh37 (hg19) VCF-style: chr2-215609835-C-T.
Other names: c.1802G>A, p.Cys601Tyr (NM_001282543.2); c.506G>A, p.Cys169Tyr (NM_001282545.2); c.449G>A, p.Cys150Tyr (NM_001282548.2); c.365-14603G>A (NM_001282549.2); c.1859G>A (NM_000465.3); short protein forms C620Y, C150Y, C601Y, C169Y.
Identifiers: ClinVar variation 234131 (VCV000234131.16), dbSNP rs763018536, ClinGen allele CA2090148.

ClinVar aggregate classification (germline): Uncertain significance. Review status: criteria provided, multiple submitters, no conflicts (2 of 4 stars). 4 submissions from 4 submitters: Uncertain significance (4). Last evaluated 2025-08-12.

Conditions:
Hereditary cancer-predisposing syndrome. Also called: Neoplastic Syndromes, Hereditary; Tumor predisposition; Hereditary Cancer Syndrome; Hereditary neoplastic syndrome. Identifiers: Orphanet 140162, MedGen C0027672, MeSH D009386, MONDO:0015356.
Familial cancer of breast. Also called: BREAST CANCER, FAMILIAL; hereditary breast carcinoma; Hereditary breast cancer. Identifiers: Orphanet 227535, MedGen C0346153, MONDO:0016419, OMIM 114480. Disease mechanism: loss of function.

Allele frequency attached by ClinVar (database versions not stated): gnomAD exomes below 0.00001; ExAC 0.00001.
gnomAD v4.1: 1 of 1,614,068 alleles (0.000062%); highest among the groups gnomAD compares: South Asian, 0.0011%; no homozygotes.

Submissions (4):

Ambry Genetics
Classification: Uncertain significance for Hereditary cancer-predisposing syndrome. Last evaluated: 2025-08-12. Review status: criteria provided, single submitter. Criteria: Ambry Variant Classification Scheme 2023. Collection method: clinical testing. Allele origin: germline.
Comment: The p.C620Y variant (also known as c.1859G>A), located in coding exon 9 of the BARD1 gene, results from a G to A substitution at nucleotide position 1859. The cysteine at codon 620 is replaced by tyrosine, an amino acid with highly dissimilar properties. This amino acid position is highly conserved in available vertebrate species. In addition, this alteration is predicted to be tolerated by in silico analysis. Since supporting evidence is limited at this time, the clinical significance of this alteration remains unclear.

Labcorp Genetics (formerly Invitae), Labcorp
Classification: Uncertain significance for Familial cancer of breast. Last evaluated: 2025-03-03. Review status: criteria provided, single submitter. Criteria: Invitae Variant Classification Sherloc (09022015). Collection method: clinical testing. Allele origin: germline.
Comment: This sequence change replaces cysteine, which is neutral and slightly polar, with tyrosine, which is neutral and polar, at codon 620 of the BARD1 protein (p.Cys620Tyr). The frequency data for this variant in the population databases is considered unreliable, as metrics indicate poor data quality at this position in the gnomAD database. This variant has not been reported in the literature in individuals affected with BARD1-related conditions. ClinVar contains an entry for this variant (Variation ID: 234131). An algorithm developed to predict the effect of missense changes on protein structure and function outputs the following: PolyPhen-2: "Benign". The tyrosine amino acid residue is found in multiple mammalian species, which suggests that this missense change does not adversely affect protein function. In summary, the available evidence is currently insufficient to determine the role of this variant in disease. Therefore, it has been classified as a Variant of Uncertain Significance.

Quest Diagnostics Nichols Institute San Juan Capistrano
Classification: Uncertain significance. Last evaluated: 2025-02-28. Review status: criteria provided, single submitter. Criteria: Quest Diagnostics criteria. Collection method: clinical testing. Allele origin: unknown.
Comment: The BARD1 c.1859G>A (p.Cys620Tyr) variant has not been reported in individuals with BARD1-related conditions in the published literature. The frequency of this variant in the general population (Genome Aggregation Database) is uninformative in the assessment of its pathogenicity. Analysis of this variant using bioinformatics tools for the prediction of the effect of amino acid changes on protein structure and function yielded conflicting predictions that this variant is benign or damaging. Based on the available information, we are unable to determine the clinical significance of this variant.

Color Diagnostics, LLC DBA Color Health
Classification: Uncertain significance for Hereditary cancer-predisposing syndrome. Last evaluated: 2023-12-05. Review status: criteria provided, single submitter. Criteria: ACMG Guidelines, 2015. Collection method: clinical testing. Allele origin: germline.
Comment: This missense variant replaces cysteine with tyrosine at codon 620 of the BARD1 protein. Computational prediction tools and conservation analyses are inconclusive regarding the impact of this variant on the protein function. Computational splicing tools suggest that this variant may not impact RNA splicing. To our knowledge, functional assays have not been performed for this variant nor has this variant been reported in individuals affected with hereditary cancer in the literature. This variant has been identified in 1/251168 chromosomes in the general population by the Genome Aggregation Database (gnomAD). Available evidence is insufficient to determine the role of this variant in disease conclusively. Therefore, this variant is classified as a Variant of Uncertain Significance.